The following is an entry in ClinVar:

ClinVar aggregate classification (germline): Uncertain significance (1 of 4 stars; one submission).

Conditions:
STING-associated vasculopathy with onset in infancy. Also called: Sting-associated vasculopathy, infantile-onset. Identifiers: Orphanet 425120, MedGen C4014722, MONDO:0014405, OMIM 615934.

Submission:

Labcorp Genetics (formerly Invitae), Labcorp
Classification: Uncertain significance for STING-associated vasculopathy with onset in infancy. Last evaluated: 2023-11-10. Review status: criteria provided, single submitter. Criteria: Invitae Variant Classification Sherloc (09022015). Collection method: clinical testing. Allele origin: germline.
Comment: This sequence change replaces leucine, which is neutral and non-polar, with phenylalanine, which is neutral and non-polar, at codon 311 of the TMEM173 protein (p.Leu311Phe). This variant is not present in population databases (gnomAD no frequency). This variant has not been reported in the literature in individuals affected with TMEM173-related conditions. Advanced modeling of protein sequence and biophysical properties (such as structural, functional, and spatial information, amino acid conservation, physicochemical variation, residue mobility, and thermodynamic stability) performed at Invitae indicates that this missense variant is not expected to disrupt TMEM173 protein function with a negative predictive value of 80%. In summary, the available evidence is currently insufficient to determine the role of this variant in disease. Therefore, it has been classified as a Variant of Uncertain Significance.

NM_198282.4(STING1):c.931C>T (p.Leu311Phe)

Gene: STING1 (stimulator of interferon response cGAMP interactor 1; minus strand). Cytogenetic location: 5q31.2.
Variant type: single nucleotide variant.
Coding change: c.931C>T on transcript NM_198282.4 (MANE Select); coding-DNA position 931, C replaced by T.
Protein change: p.Leu311Phe; replaces leucine 311 with phenylalanine.
Molecular consequence: missense variant. On other transcripts: intron variant (1).
Genome position (GRCh38, 1-based): chr5:139,477,344, G>A on the plus strand (C>T on the coding strand, the complement: STING1 is on the minus strand). VCF-style: chr5-139477344-G-A. GRCh37 (hg19) VCF-style: chr5-138856929-G-A.
Other names: c.574C>T, p.Leu192Phe (NM_001367258.1); c.760-890C>T (NM_001301738.2); short protein forms L192F, L311F.
Identifiers: ClinVar variation 2744036 (VCV002744036.3), dbSNP rs2547061947, ClinGen allele CA361479422.